The following is an entry in ClinVar:

NM_182972.3(IRF2BP2):c.739G>A (p.Val247Met)

Gene: IRF2BP2 (interferon regulatory factor 2 binding protein 2; minus strand). Cytogenetic location: 1q42.3.
Variant type: single nucleotide variant.
Coding change: c.739G>A on transcript NM_182972.3 (MANE Select); coding-DNA position 739, G replaced by A.
Protein change: p.Val247Met; replaces valine 247 with methionine.
Molecular consequence: missense variant.
Genome position (GRCh38, 1-based): chr1:234,608,756, C>T on the plus strand (G>A on the coding strand, the complement: IRF2BP2 is on the minus strand). VCF-style: chr1-234608756-C-T. GRCh37 (hg19) VCF-style: chr1-234744502-C-T.
Other names: c.739G>A, p.Val247Met (NM_001077397.1); short protein forms V247M.
Identifiers: ClinVar variation 4996550 (VCV004996550.1).

ClinVar aggregate classification (germline): Uncertain significance (1 of 4 stars; one submission).

Conditions:
IRF2BP2-related disorder. Also called: IRF2BP2-related condition.

gnomAD v4.1: 3 of 1,486,864 alleles (0.0002%); highest among the groups gnomAD compares: Non-Finnish European, 0.00027%; no homozygotes.

Submission:

PreventionGenetics, part of Exact Sciences
Classification: Uncertain significance for IRF2BP2-related condition. Last evaluated: 2025-11-01. Review status: criteria provided, single submitter. Criteria: ACMG Guidelines, 2015. Collection method: clinical testing. Allele origin: germline.
Comment: The IRF2BP2 c.739G>A variant is predicted to result in the amino acid substitution p.Val247Met. To our knowledge, this variant has not been reported in the literature or in a large population database (gnomAD), indicating this variant is rare. At this time, the clinical significance of this variant is uncertain due to the absence of conclusive functional and genetic evidence.